The following is an entry in ClinVar:

ClinVar aggregate classification (germline): Pathogenic/Likely pathogenic. Review status: criteria provided, multiple submitters, no conflicts (2 of 4 stars). 4 submissions from 4 submitters: Pathogenic (2); Likely pathogenic (1). 1 of the submissions does not count toward it. Last evaluated 2024-10-15.

Conditions:
ADGRV1-related disorder. Also called: ADGRV1-related disorders; ADGRV1-related condition.
Usher syndrome. Also called: Usher's syndrome; Usher Syndromes. Identifiers: Orphanet 886, MedGen CN469326, MeSH D052245, MONDO:0019501. Disease mechanism: loss of function.

Allele frequency attached by ClinVar (database versions not stated): gnomAD exomes 0.00001; TOPMed 0.00001.
gnomAD v4.1: 9 of 1,613,200 alleles (0.00056%); highest among the groups gnomAD compares: Admixed American, 0.0017%; no homozygotes.

Submissions (4):

Women's Health and Genetics/Laboratory Corporation of America, LabCorp
Classification: Pathogenic for Usher syndrome. Last evaluated: 2024-10-15. Review status: criteria provided, single submitter. Criteria: LabCorp Variant Classification Summary - May 2015. Collection method: clinical testing. Allele origin: germline.
Comment: Variant summary: ADGRV1 c.12211C>T (p.Arg4071X) results in a premature termination codon, predicted to cause a truncation of the encoded protein or absence of the protein due to nonsense mediated decay, which are commonly known mechanisms for disease. The variant allele was found at a frequency of 8e-06 in 249010 control chromosomes. To our knowledge, no occurrence of c.12211C>T in individuals affected with Usher Syndrome and no experimental evidence demonstrating its impact on protein function have been reported. ClinVar contains an entry for this variant (Variation ID: 1374682). Based on the evidence outlined above, the variant was classified as pathogenic.

GeneDx
Classification: Likely pathogenic. Last evaluated: 2024-03-04. Review status: criteria provided, single submitter. Criteria: GeneDx Variant Classification Process June 2021. Collection method: clinical testing. Allele origin: germline. Affected: yes.
Comment: Nonsense variant predicted to result in protein truncation or nonsense mediated decay in a gene for which loss of function is a known mechanism of disease; Not observed at significant frequency in large population cohorts (gnomAD); Has not been previously published as pathogenic or benign in association with an ADGRV1-related phenotype to our knowledge; This variant is associated with the following publications: (PMID: 31964843)

Labcorp Genetics (formerly Invitae), Labcorp
Classification: Pathogenic. Last evaluated: 2023-11-10. Review status: criteria provided, single submitter. Criteria: Invitae Variant Classification Sherloc (09022015). Collection method: clinical testing. Allele origin: germline.
Comment: This sequence change creates a premature translational stop signal (p.Arg4071*) in the ADGRV1 gene. It is expected to result in an absent or disrupted protein product. Loss-of-function variants in ADGRV1 are known to be pathogenic (PMID: 19357117, 22135276, 22147658, 26226137, 30718709, 31047384, 32467589). This variant is present in population databases (no rsID available, gnomAD 0.003%). This variant has not been reported in the literature in individuals affected with ADGRV1-related conditions. ClinVar contains an entry for this variant (Variation ID: 1374682). For these reasons, this variant has been classified as Pathogenic.

PreventionGenetics, part of Exact Sciences
Classification: Pathogenic for ADGRV1-related condition. Last evaluated: 2024-09-16. Review status: no assertion criteria provided. Collection method: clinical testing. Allele origin: germline. Not counted in ClinVar's aggregate classification.
Comment: The ADGRV1 c.12211C>T variant is predicted to result in premature protein termination (p.Arg4071*). To our knowledge, this variant has not been reported in association with autosomal recessive Usher syndrome. This variant was reported in an individual with epilepsy, although zygosity was not noted (Table S1, Miao et al. 2023. PubMed ID: 37329172). This variant is reported in 0.0029% of alleles in individuals of Latino descent in gnomAD. Nonsense variants in ADGRV1 are expected to be pathogenic for autosomal recessive Usher syndrome. This variant is interpreted as pathogenic.

Literature cited by the submitters: PubMed 19357117 (cited by Labcorp Genetics (formerly Invitae), Labcorp); PubMed 22135276 (cited by Labcorp Genetics (formerly Invitae), Labcorp); PubMed 22147658 (cited by Labcorp Genetics (formerly Invitae), Labcorp); PubMed 26226137 (cited by Labcorp Genetics (formerly Invitae), Labcorp); PubMed 30718709 (cited by Labcorp Genetics (formerly Invitae), Labcorp); PubMed 31047384 (cited by Labcorp Genetics (formerly Invitae), Labcorp); PubMed 32467589 (cited by Labcorp Genetics (formerly Invitae), Labcorp).

NM_032119.4(ADGRV1):c.12211C>T (p.Arg4071Ter)

Gene: ADGRV1 (adhesion G protein-coupled receptor V1; plus strand). Cytogenetic location: 5q14.3.
Variant type: single nucleotide variant.
Coding change: c.12211C>T on transcript NM_032119.4 (MANE Select); coding-DNA position 12211, C replaced by T.
Protein change: p.Arg4071Ter; replaces arginine 4071 with a stop codon.
Molecular consequence: nonsense. On other transcripts: non-coding transcript variant (1).
Genome position (GRCh38, 1-based): chr5:90,763,395, C>T. VCF-style: chr5-90763395-C-T. GRCh37 (hg19) VCF-style: chr5-90059212-C-T.
Other names: c.12211C>T (NM_032119.3); short protein forms R4071*.
Identifiers: ClinVar variation 1374682 (VCV001374682.8), dbSNP rs1163308590, ClinGen allele CA360378075.